The following is an entry in ClinVar:

ClinVar aggregate classification (germline): Uncertain significance (1 of 4 stars; one submission).

Submission:

Labcorp Genetics (formerly Invitae), Labcorp
Classification: Uncertain significance. Last evaluated: 2022-04-16. Review status: criteria provided, single submitter. Criteria: Invitae Variant Classification Sherloc (09022015). Collection method: clinical testing. Allele origin: germline.
Comment: In summary, the available evidence is currently insufficient to determine the role of this variant in disease. Therefore, it has been classified as a Variant of Uncertain Significance. Experimental studies and prediction algorithms are not available or were not evaluated, and the functional significance of this variant is currently unknown. This variant has not been reported in the literature in individuals affected with REST-related conditions. This variant is not present in population databases (gnomAD no frequency). This variant, c.2087_2131del, results in the deletion of 15 amino acid(s) of the REST protein (p.Thr696_Gln710del), but otherwise preserves the integrity of the reading frame.

NM_005612.5(REST):c.2087_2131del (p.Thr696_Gln710del)

Gene: REST (RE1 silencing transcription factor; plus strand). Cytogenetic location: 4q12.
Variant type: Deletion.
Coding change: c.2087_2131del on transcript NM_005612.5 (MANE Select); coding-DNA positions 2087 to 2131, 45 bases deleted.
Protein change: p.Thr696_Gln710del.
Molecular consequence: inframe deletion. On other transcripts: inframe indel (2).
Genome position (GRCh38, 1-based): chr4:56,930,945-56,930,989, 45 bases deleted; deleting any 45 consecutive bases within chr4:56,930,936-56,930,989 gives the same sequence; the c. name uses the placement nearest the transcript's 3' end. GRCh37 (hg19): chr4:57,797,111-57,797,155.
Other names: c.2087_2131del45, p.Thr696_Gln710del (NM_001193508.2, NM_001363453.3).
Identifiers: ClinVar variation 1896691 (VCV001896691.5), dbSNP rs2475851726, ClinGen allele CA2580071230.